The following is an entry in ClinVar:

NM_006440.5(TXNRD2):c.591+211A>G

Gene: TXNRD2 (thioredoxin reductase 2; minus strand). Cytogenetic location: 22q11.21.
Variant type: single nucleotide variant.
Coding change: c.591+211A>G on transcript NM_006440.5 (MANE Select); 211 bases into the intron after coding-DNA position 591, A replaced by G.
Molecular consequence: intron variant.
Genome position (GRCh38, 1-based): chr22:19,915,003, T>C on the plus strand (A>G on the coding strand, the complement: TXNRD2 is on the minus strand). VCF-style: chr22-19915003-T-C. GRCh37 (hg19) VCF-style: chr22-19902526-T-C.
Other names: c.588+211A>G (NM_001352300.2); c.303+211A>G (NM_001352302.2); c.501+211A>G (NM_001352301.2); c.591+211A>G (NM_001282512.3); c.495+211A>G (NM_001352303.2).
Identifiers: ClinVar variation 678641 (VCV000678641.2), dbSNP rs4597638, ClinGen allele CA14983900.

ClinVar aggregate classification (germline): Benign. Review status: criteria provided, multiple submitters, no conflicts (2 of 4 stars). 2 submissions from 2 submitters: Benign (2). Last evaluated 2018-06-14.

Allele frequency attached by ClinVar (database versions not stated): gnomAD exomes 0.10199; gnomAD 0.10467 and 0.10873; TOPMed 0.10700; 1000 Genomes Project 30x 0.16521; 1000 Genomes Project 0.16653.
gnomAD v4.1: 59,774 of 578,274 alleles (10%); highest among the groups gnomAD compares: East Asian, 24%; 4,115 homozygotes.

Submissions (2):

GeneDx
Classification: Benign. Last evaluated: 2018-06-14. Review status: criteria provided, single submitter. Criteria: GeneDx Variant Classification (06012015). Collection method: clinical testing. Allele origin: germline. Affected: yes.
Comment: This variant is considered likely benign or benign based on one or more of the following criteria: it is a conservative change, it occurs at a poorly conserved position in the protein, it is predicted to be benign by multiple in silico algorithms, and/or has population frequency not consistent with disease.

Breakthrough Genomics
Classification: Benign. Review status: criteria provided, single submitter. Criteria: ACMG Guidelines, 2015. Collection method: not provided. Allele origin: germline. Inheritance: Autosomal recessive inheritance. Affected: yes.